The following is an entry in ClinVar:

ClinVar aggregate classification (germline): Uncertain significance (1 of 4 stars; one submission).

Submission:

Ambry Genetics
Classification: Uncertain significance. Last evaluated: 2026-02-23. Review status: criteria provided, single submitter. Criteria: Ambry Variant Classification Scheme 2023. Collection method: clinical testing. Allele origin: germline.
Comment: The p.K29N variant (also known as c.87A>C), located in coding exon 2 of the RINT1 gene, results from an A to C substitution at nucleotide position 87. The lysine at codon 29 is replaced by asparagine, an amino acid with similar properties. This amino acid position is conserved. In addition, this alteration is predicted to be tolerated by in silico analysis. Based on the available evidence, the clinical significance of this variant remains unclear.

NM_021930.6(RINT1):c.87A>C (p.Lys29Asn)

Gene: RINT1 (RAD50 interactor 1; plus strand). Cytogenetic location: 7q22.3.
Variant type: single nucleotide variant.
Coding change: c.87A>C on transcript NM_021930.6 (MANE Select); coding-DNA position 87, A replaced by C.
Protein change: p.Lys29Asn; replaces lysine 29 with asparagine.
Molecular consequence: missense variant. On other transcripts: 5 prime UTR variant (4), non-coding transcript variant (1).
Genome position (GRCh38, 1-based): chr7:105,532,868, A>C. VCF-style: chr7-105532868-A-C. GRCh37 (hg19) VCF-style: chr7-105173315-A-C.
Other names: c.-11A>C (NM_001346599.2); c.-933A>C (NM_001346600.2); c.-836A>C (NM_001346601.2); c.-456A>C (NM_001346603.2); short protein forms K29N.
Identifiers: ClinVar variation 4825979 (VCV004825979.1).